The following is an entry in ClinVar:

ClinVar aggregate classification (germline): Uncertain significance. Review status: criteria provided, multiple submitters, no conflicts (2 of 4 stars). 3 submissions from 3 submitters: Uncertain significance (3). Last evaluated 2026-04-22.

Conditions:
Inborn genetic diseases. Identifiers: MedGen C0950123, MeSH D030342.

Allele frequency attached by ClinVar (database versions not stated): ExAC 0.00005; gnomAD 0.00005; ESP Exome Variant Server 0.00008; 1000 Genomes Project 0.00020; 1000 Genomes Project 30x 0.00031.
gnomAD v4.1: 51 of 1,611,270 alleles (0.0032%); highest among the groups gnomAD compares: Admixed American, 0.018%; no homozygotes.

Submissions (3):

Greenwood Genetic Center Diagnostic Laboratories, Greenwood Genetic Center
Classification: Uncertain significance. Last evaluated: 2026-04-22. Review status: criteria provided, single submitter. Criteria: ACMG Guidelines, 2015. Collection method: clinical testing. Allele origin: germline.
Comment: PM2

Blueprint Genetics
Classification: Uncertain significance. Last evaluated: 2023-05-26. Review status: criteria provided, single submitter. Criteria: ACMG Guidelines, 2015. Collection method: clinical testing. Allele origin: germline.

Ambry Genetics
Classification: Uncertain significance for Inborn genetic diseases. Last evaluated: 2021-10-18. Review status: criteria provided, single submitter. Criteria: Ambry Variant Classification Scheme 2023. Collection method: clinical testing. Allele origin: germline.

NM_014918.5(CHSY1):c.1411G>A (p.Ala471Thr)

Gene: CHSY1 (chondroitin sulfate synthase 1; minus strand). Cytogenetic location: 15q26.3.
Variant type: single nucleotide variant.
Coding change: c.1411G>A on transcript NM_014918.5 (MANE Select); coding-DNA position 1411, G replaced by A.
Protein change: p.Ala471Thr; replaces alanine 471 with threonine.
Molecular consequence: missense variant.
Genome position (GRCh38, 1-based): chr15:101,178,386, C>T on the plus strand (G>A on the coding strand, the complement: CHSY1 is on the minus strand). VCF-style: chr15-101178386-C-T. GRCh37 (hg19) VCF-style: chr15-101718591-C-T.
Other names: short protein forms A471T.
Identifiers: ClinVar variation 2367902 (VCV002367902.3), dbSNP rs373782542, ClinGen allele CA7762539.
Genomic context (GRCh38, chr15:101,178,386, plus strand): 5'-GTGCATCCAGCTCCTCATGCTCCACAAACTGGATTTTGCTGAAAGTCTGCTGTAAATACG[C>T]GTGCCTCCTCACAGGGACCGTCATTTTCTTCCCTTTGTGCTTTTTGTACAGAAGCAGCAG-3'
Protein context (NP_055733.2, residues 461-481): KKMTVPVRRH[Ala471Thr]YLQQTFSKIQ